The following is an entry in ClinVar:

ClinVar aggregate classification (germline): Pathogenic (1 of 4 stars; one submission).

Conditions:
Ataxia-telangiectasia syndrome (AT). Also called: Cerebello-oculocutaneous telangiectasia; Immunodeficiency with ataxia telangiectasia; LOUIS-BAR SYNDROME; AT, COMPLEMENTATION GROUP C; ATAXIA-TELANGIECTASIA, COMPLEMENTATION GROUP A; ATAXIA-TELANGIECTASIA, FRESNO VARIANT. Identifiers: Orphanet 100, MedGen C0004135, MONDO:0008840, OMIM 208900.

Submission:

Labcorp Genetics (formerly Invitae), Labcorp
Classification: Pathogenic for Ataxia-telangiectasia syndrome. Last evaluated: 2019-07-16. Review status: criteria provided, single submitter. Criteria: Invitae Variant Classification Sherloc (09022015). Collection method: clinical testing. Allele origin: germline.
Comment: For these reasons, this variant has been classified as Pathogenic. Loss-of-function variants in ATM are known to be pathogenic (PMID: 23807571, 25614872). This variant has not been reported in the literature in individuals with ATM-related conditions. This variant is not present in population databases (ExAC no frequency). This sequence change creates a premature translational stop signal (p.Val666Glyfs*6) in the ATM gene. It is expected to result in an absent or disrupted protein product.

Literature cited by the submitters: PubMed 23807571; PubMed 25614872.

NM_000051.4(ATM):c.1997del (p.Val666fs)

Gene: ATM (ATM serine/threonine kinase; plus strand). Cytogenetic location: 11q22.3.
Variant type: Deletion.
Coding change: c.1997del on transcript NM_000051.4 (MANE Select); coding-DNA position 1997, one base deleted (T; older notation c.1997delT).
Protein change: p.Val666fs; shifts the reading frame from valine 666.
Molecular consequence: frameshift variant.
Genome position (GRCh38, 1-based): chr11:108,253,912, T deleted. VCF-style (leftmost placement, unchanged base first): chr11-108253911-GT-G. GRCh37 (hg19) VCF-style: chr11-108124638-GT-G.
Other names: c.1997del, p.Val666fs (NM_001351834.2); short protein forms V666fs.
Identifiers: ClinVar variation 936066 (VCV000936066.7), dbSNP rs2080303837, ClinGen allele CA1139662164.
Genomic context (GRCh38, chr11:108,253,911, plus strand): 5'-TCAGAAGTAGAAGAACTATTTCTTCAGACAACTTTTGACAAGATGGACTTTTTAACCATT[GT>G]GAGAGAATGTGGTATAGAAAAGCACCAGTCCAGTATTGGCTTCTCTGTCCACCAGAATCT-3'